The following is an entry in ClinVar:

ClinVar aggregate classification (germline): Uncertain significance (1 of 4 stars; one submission).

Conditions:
ARL6-related disorder. Also called: ARL6-related condition.

Submission:

PreventionGenetics, part of Exact Sciences
Classification: Uncertain significance for ARL6-related condition. Last evaluated: 2026-03-03. Review status: criteria provided, single submitter. Criteria: ACMG Guidelines, 2015. Collection method: clinical testing. Allele origin: germline.
Comment: The ARL6 c.291T>G variant is predicted to result in the amino acid substitution p.Ser97Arg. To our knowledge, this variant has not been reported in the literature or in a large population database (gnomAD), indicating this variant is rare. At this time, the clinical significance of this variant is uncertain due to the absence of conclusive functional and genetic evidence.

NM_001278293.3(ARL6):c.291T>G (p.Ser97Arg)

Gene: ARL6 (ARF like GTPase 6; plus strand). Cytogenetic location: 3q11.2.
Variant type: single nucleotide variant.
Coding change: c.291T>G on transcript NM_001278293.3 (MANE Select); coding-DNA position 291, T replaced by G.
Protein change: p.Ser97Arg; replaces serine 97 with arginine.
Molecular consequence: missense variant. On other transcripts: non-coding transcript variant (7).
Genome position (GRCh38, 1-based): chr3:97,784,991, T>G. VCF-style: chr3-97784991-T-G. GRCh37 (hg19) VCF-style: chr3-97503835-T-G.
Other names: c.291T>G, p.Ser97Arg (NM_001323513.2, NM_001323514.2, NM_032146.5 and 1 more transcripts); short protein forms S97R.
Identifiers: ClinVar variation 4986172 (VCV004986172.1).